The following is an entry in ClinVar:

NM_001142864.4(PIEZO1):c.3700-5C>A

Gene: PIEZO1 (piezo type mechanosensitive ion channel component 1 (Er blood group); minus strand). Cytogenetic location: 16q24.3.
Variant type: single nucleotide variant.
Coding change: c.3700-5C>A on transcript NM_001142864.4 (MANE Select); 5 bases into the intron before coding-DNA position 3700, C replaced by A.
Molecular consequence: intron variant.
Genome position (GRCh38, 1-based): chr16:88,726,648, G>T on the plus strand (C>A on the coding strand, the complement: PIEZO1 is on the minus strand). VCF-style: chr16-88726648-G-T. GRCh37 (hg19) VCF-style: chr16-88793056-G-T.
Identifiers: ClinVar variation 3029939 (VCV003029939.2), dbSNP rs949481545, ClinGen allele CA286413587.

ClinVar aggregate classification (germline): Likely benign (0 of 4 stars; one submission).

Conditions:
PIEZO1-related disorder. Also called: PIEZO1-related condition; PIEZO1-Related Disorders.

Allele frequency attached by ClinVar (database versions not stated): gnomAD exomes 0.00001.
gnomAD v4.1: 27 of 1,547,568 alleles (0.0017%); highest among the groups gnomAD compares: East Asian, 0.056%; no homozygotes.

Submission:

PreventionGenetics, part of Exact Sciences
Classification: Likely benign for PIEZO1-related condition. Last evaluated: 2021-05-10. Review status: no assertion criteria provided. Collection method: clinical testing. Allele origin: germline.
Comment: This variant is classified as likely benign based on ACMG/AMP sequence variant interpretation guidelines (Richards et al. 2015 PMID: 25741868, with internal and published modifications).